The following is an entry in ClinVar:

NM_198253.3(TERT):c.1573+3G>A

Gene: TERT (telomerase reverse transcriptase; minus strand). Cytogenetic location: 5p15.33.
Variant type: single nucleotide variant.
Coding change: c.1573+3G>A on transcript NM_198253.3 (MANE Select); 3 bases into the intron after coding-DNA position 1573, G replaced by A.
Molecular consequence: intron variant.
Genome position (GRCh38, 1-based): chr5:1,293,310, C>T on the plus strand (G>A on the coding strand, the complement: TERT is on the minus strand). VCF-style: chr5-1293310-C-T. GRCh37 (hg19) VCF-style: chr5-1293425-C-T.
Other names: c.1573+3G>A (NM_001193376.3).
Identifiers: ClinVar variation 934712 (VCV000934712.8), dbSNP rs1751107935, ClinGen allele CA1139655858.
Genomic context (GRCh38, chr5:1,293,310, plus strand): 5'-TTTCTGAGCCCCTACTGCATTCAGCTCTGGGGCCTGGGCCCTCGACGGCCACCACCTCCT[C>T]ACCTGGGCTCCTGCGCAGCCAAGCGCAGTCCCGCACGCTCATCTTCCACGTCAGCTCCTG-3'

ClinVar aggregate classification (germline): Uncertain significance (1 of 4 stars; one submission).

Conditions:
Idiopathic Pulmonary Fibrosis. Also called: idiopathic fibrosing alveolitis; Idiopathic fibrosing alveolitis, chronic form. Identifiers: Orphanet 2032, MedGen C1800706, MeSH D054990, MONDO:0800504.
Dyskeratosis congenita, autosomal dominant 2. Identifiers: MedGen C3151443, MONDO:0013521, OMIM 613989.

Submission:

Labcorp Genetics (formerly Invitae), Labcorp
Classification: Uncertain significance for Dyskeratosis congenita, autosomal dominant 2; Idiopathic Pulmonary Fibrosis. Last evaluated: 2025-10-15. Review status: criteria provided, single submitter. Criteria: Invitae Variant Classification Sherloc (09022015). Collection method: clinical testing. Allele origin: germline.
Comment: This sequence change falls in intron 2 of the TERT gene. It does not directly change the encoded amino acid sequence of the TERT protein. It affects a nucleotide within the consensus splice site. This variant is not present in population databases (gnomAD no frequency). This variant has not been reported in the literature in individuals affected with TERT-related conditions. ClinVar contains an entry for this variant (Variation ID: 934712). Variants that disrupt the consensus splice site are a relatively common cause of aberrant splicing (PMID: 17576681, 9536098). Algorithms developed to predict the effect of sequence changes on RNA splicing suggest that this variant is not likely to affect RNA splicing. In summary, the available evidence is currently insufficient to determine the role of this variant in disease. Therefore, it has been classified as a Variant of Uncertain Significance.

Literature cited by the submitters: PubMed 17576681; PubMed 9536098.